The following is an entry in ClinVar:

NM_001171.6(ABCC6):c.1501A>T (p.Ile501Phe)

Gene: ABCC6 (ATP binding cassette subfamily C member 6; minus strand). Cytogenetic location: 16p13.11.
Variant type: single nucleotide variant.
Coding change: c.1501A>T on transcript NM_001171.6 (MANE Select); coding-DNA position 1501, A replaced by T.
Protein change: p.Ile501Phe; replaces isoleucine 501 with phenylalanine.
Molecular consequence: missense variant. On other transcripts: non-coding transcript variant (1).
Genome position (GRCh38, 1-based): chr16:16,190,298, T>A on the plus strand (A>T on the coding strand, the complement: ABCC6 is on the minus strand). VCF-style: chr16-16190298-T-A. GRCh37 (hg19) VCF-style: chr16-16284155-T-A.
Other names: c.1159A>T, p.Ile387Phe (NM_001351800.1); short protein forms I387F, I501F.
Identifiers: ClinVar variation 1333802 (VCV001333802.6), dbSNP rs772952563, ClinGen allele CA394889786.

ClinVar aggregate classification (germline): Uncertain significance. Review status: criteria provided, multiple submitters, no conflicts (2 of 4 stars). 2 submissions from 2 submitters: Uncertain significance (2). Last evaluated 2022-01-04.

Conditions:
Pseudoxanthoma elasticum, forme fruste. Also called: PSEUDOXANTHOMA ELASTICUM, HETEROZYGOUS; Pseudoxanthoma Elasticum, Incomplete. Identifiers: Orphanet 758, MedGen C1867450, MONDO:0008333, OMIM 177850.

gnomAD v4.1: 8 of 1,614,186 alleles (0.0005%); highest among the groups gnomAD compares: Admixed American, 0.0017%; no homozygotes.

Submissions (2):

Labcorp Genetics (formerly Invitae), Labcorp
Classification: Uncertain significance. Last evaluated: 2022-01-04. Review status: criteria provided, single submitter. Criteria: Invitae Variant Classification Sherloc (09022015). Collection method: clinical testing. Allele origin: germline.
Comment: This sequence change replaces isoleucine, which is neutral and non-polar, with phenylalanine, which is neutral and non-polar, at codon 501 of the ABCC6 protein (p.Ile501Phe). In summary, the available evidence is currently insufficient to determine the role of this variant in disease. Therefore, it has been classified as a Variant of Uncertain Significance. Advanced modeling of protein sequence and biophysical properties (such as structural, functional, and spatial information, amino acid conservation, physicochemical variation, residue mobility, and thermodynamic stability) performed at Invitae indicates that this missense variant is expected to disrupt ABCC6 protein function. This variant has not been reported in the literature in individuals affected with ABCC6-related conditions. This variant is present in population databases (no rsID available, gnomAD 0.003%).

CENTOGENE GmbH and LLC - Guiding Precision Medicine
Classification: Uncertain significance for Pseudoxanthoma elasticum, forme fruste. Last evaluated: 2018-10-08. Review status: criteria provided, single submitter. Criteria: ACMG Guidelines, 2015. Collection method: clinical testing. Allele origin: germline. Affected: yes.